The following is an entry in ClinVar:

ClinVar aggregate classification (germline): Likely pathogenic (1 of 4 stars; one submission).

Conditions:
Rubinstein-Taybi syndrome due to CREBBP mutations (RSTS1). Also called: BROAD THUMB-HALLUX SYNDROME; RUBINSTEIN SYNDROME; RUBINSTEIN-TAYBI SYNDROME 1, INCOMPLETE; Rubinstein-Taybi syndrome 1; BROAD THUMBS AND GREAT TOES, CHARACTERISTIC FACIES, AND IMPAIRED INTELLECTUAL DEVELOPMENT; CREBBP-Related Rubinstein-Taybi Syndrome. Identifiers: Orphanet 353277, Orphanet 783, MedGen C4551859, MONDO:0008393, OMIM 180849.

Submission:

Dasa
Classification: Likely pathogenic for Rubinstein-Taybi syndrome due to CREBBP mutations. Last evaluated: 2025-12-19. Review status: criteria provided, single submitter. Criteria: DASA Assertion Criteria. Collection method: clinical testing. Allele origin: germline.
Comment: NM_004380.3(CREBBP):c.4244A>G (p.Gln1415Arg) is a missense variant that results in the substitution of glutamine with arginine. The affected residue or protein region has prior evidence supporting clinical relevance. This variant has been recurrently observed in individuals with CREBBP-related disorders (PMID: 31566936; PMID: 25388907). This variant has been reported as a de novo occurrence in an affected individual (PMID: 31566936; PMID: 25388907). Also, this variant is absent from population databases. Computational evidence supports a deleterious effect. Based on the currently available evidence, this variant is classified as likely pathogenic.

Literature cited by the submitters: PubMed 31566936; PubMed 25388907.

NM_004380.3(CREBBP):c.4244A>G (p.Gln1415Arg)

Gene: CREBBP (CREB binding lysine acetyltransferase; minus strand). Cytogenetic location: 16p13.3.
Variant type: single nucleotide variant.
Coding change: c.4244A>G on transcript NM_004380.3 (MANE Select); coding-DNA position 4244, A replaced by G.
Protein change: p.Gln1415Arg; replaces glutamine 1415 with arginine.
Molecular consequence: missense variant.
Genome position (GRCh38, 1-based): chr16:3,739,614, T>C on the plus strand (A>G on the coding strand, the complement: CREBBP is on the minus strand). VCF-style: chr16-3739614-T-C. GRCh37 (hg19) VCF-style: chr16-3789615-T-C.
Other names: c.4130A>G, p.Gln1377Arg (NM_001079846.1); short protein forms Q1377R, Q1415R.
Identifiers: ClinVar variation 4884109 (VCV004884109.2).